The following is an entry in ClinVar:

NM_020338.4(ZMIZ1):c.1477G>A (p.Gly493Arg)

Gene: ZMIZ1 (zinc finger MIZ-type containing 1; plus strand). Cytogenetic location: 10q22.3.
Variant type: single nucleotide variant.
Coding change: c.1477G>A on transcript NM_020338.4 (MANE Select); coding-DNA position 1477, G replaced by A.
Protein change: p.Gly493Arg; replaces glycine 493 with arginine.
Molecular consequence: missense variant.
Genome position (GRCh38, 1-based): chr10:79,297,676, G>A. VCF-style: chr10-79297676-G-A. GRCh37 (hg19) VCF-style: chr10-81057433-G-A.
Other names: c.1477G>A (NM_020338.3); short protein forms G493R.
Identifiers: ClinVar variation 2408821 (VCV002408821.10), dbSNP rs201518818, ClinGen allele CA5572691.

ClinVar aggregate classification (germline): Uncertain significance. Review status: criteria provided, multiple submitters, no conflicts (2 of 4 stars). 3 submissions from 3 submitters: Uncertain significance (3). Last evaluated 2025-06-07.

Conditions:
Neurodevelopmental disorder with dysmorphic facies and distal skeletal anomalies. Identifiers: MedGen C5231448, MONDO:0032855, OMIM 618659.
Inborn genetic diseases. Identifiers: MedGen C0950123, MeSH D030342.

Allele frequency attached by ClinVar (database versions not stated): ExAC 0.00005; gnomAD 0.00005; TOPMed 0.00005; gnomAD exomes 0.00007.
gnomAD v4.1: 107 of 1,613,928 alleles (0.0066%); highest among the groups gnomAD compares: Non-Finnish European, 0.0085%; no homozygotes.

Submissions (3):

Ambry Genetics
Classification: Uncertain significance for Inborn genetic diseases. Last evaluated: 2025-06-07. Review status: criteria provided, single submitter. Criteria: Ambry Variant Classification Scheme 2023. Collection method: clinical testing. Allele origin: germline.

Labcorp Genetics (formerly Invitae), Labcorp
Classification: Uncertain significance. Last evaluated: 2024-10-27. Review status: criteria provided, single submitter. Criteria: Invitae Variant Classification Sherloc (09022015). Collection method: clinical testing. Allele origin: germline.
Comment: This sequence change replaces glycine, which is neutral and non-polar, with arginine, which is basic and polar, at codon 493 of the ZMIZ1 protein (p.Gly493Arg). This variant is present in population databases (rs201518818, gnomAD 0.006%). This variant has not been reported in the literature in individuals affected with ZMIZ1-related conditions. ClinVar contains an entry for this variant (Variation ID: 2408821). Invitae Evidence Modeling of protein sequence and biophysical properties (such as structural, functional, and spatial information, amino acid conservation, physicochemical variation, residue mobility, and thermodynamic stability) indicates that this missense variant is not expected to disrupt ZMIZ1 protein function with a negative predictive value of 95%. In summary, the available evidence is currently insufficient to determine the role of this variant in disease. Therefore, it has been classified as a Variant of Uncertain Significance.

Department of Pathology and Laboratory Medicine, Sinai Health System
Classification: Uncertain significance for Neurodevelopmental disorder with dysmorphic facies and distal skeletal anomalies. Last evaluated: 2020-06-02. Review status: criteria provided, single submitter. Criteria: ACMG Guidelines, 2015. Collection method: research. Allele origin: germline.